The following is an entry in ClinVar:

ClinVar aggregate classification (germline): Benign. Review status: criteria provided, multiple submitters, no conflicts (2 of 4 stars). 7 submissions from 7 submitters: Benign (7). Last evaluated 2026-02-03.

Conditions:
Inborn genetic diseases. Identifiers: MedGen C0950123, MeSH D030342.

Allele frequency attached by ClinVar (database versions not stated): gnomAD exomes 0.03453 and 0.06700; ExAC 0.07749; gnomAD 0.14155 and 0.14669; 1000 Genomes Project 30x 0.18835; ESP Exome Variant Server 0.16880; 1000 Genomes Project 0.18517; TOPMed 0.15944.

Submissions (7):

Labcorp Genetics (formerly Invitae), Labcorp
Classification: Benign. Last evaluated: 2026-02-03. Review status: criteria provided, single submitter. Criteria: Invitae Variant Classification Sherloc (09022015). Collection method: clinical testing. Allele origin: germline.

GeneDx
Classification: Benign. Last evaluated: 2021-05-04. Review status: criteria provided, single submitter. Criteria: GeneDx Variant Classification Process June 2021. Collection method: clinical testing. Allele origin: germline. Affected: yes.

Laboratory for Molecular Medicine, Mass General Brigham Personalized Medicine
Classification: Benign. Last evaluated: 2018-12-28. Review status: criteria provided, single submitter. Criteria: LMM Criteria. Collection method: clinical testing. Allele origin: germline. Observed: 1 variant allele.
Comment: p.Pro712Pro in exon 14 of FGD1: This variant is not expected to have clinical significance because it does not alter an amino acid residue, is not located within the splice consensus sequence, and has been identified in 44.23% (3737/8449) of African chromosomes by the Exome Aggregation Consortium (ExAC; dbSNP rs1126744).

Ambry Genetics
Classification: Benign for Inborn genetic diseases. Last evaluated: 2014-12-13. Review status: criteria provided, single submitter. Criteria: Ambry Variant Classification Scheme 2023. Collection method: clinical testing. Allele origin: germline.

Eurofins Ntd Llc (ga)
Classification: Benign. Last evaluated: 2012-11-16. Review status: criteria provided, single submitter. Criteria: EGL Classification Definitions 2015. Collection method: clinical testing. Allele origin: germline. Observed: 5 variant alleles, 5 hemizygotes.

Breakthrough Genomics
Classification: Benign. Review status: criteria provided, single submitter. Criteria: ACMG Guidelines, 2015. Collection method: not provided. Allele origin: germline. Inheritance: X-linked inheritance. Affected: yes.

PreventionGenetics, part of Exact Sciences
Classification: Benign. Review status: criteria provided, single submitter. Criteria: ACMG Guidelines, 2015. Collection method: clinical testing. Allele origin: germline.

NM_004463.3(FGD1):c.2136A>G (p.Pro712=)

Gene: FGD1 (FYVE, RhoGEF and PH domain containing 1; minus strand). Cytogenetic location: Xp11.22.
Variant type: single nucleotide variant.
Coding change: c.2136A>G on transcript NM_004463.3 (MANE Select); coding-DNA position 2136, A replaced by G.
Protein change: p.Pro712=; no amino-acid change (proline 712 retained).
Molecular consequence: synonymous variant.
Genome position (GRCh38, 1-based): chrX:54,449,671, T>C on the plus strand (A>G on the coding strand, the complement: FGD1 is on the minus strand). VCF-style: chrX-54449671-T-C. GRCh37 (hg19) VCF-style: chrX-54476104-T-C.
Identifiers: ClinVar variation 95089 (VCV000095089.25), dbSNP rs1126744, ClinGen allele CA148164.